The following is an entry in ClinVar:

ClinVar aggregate classification (germline): Uncertain significance. Review status: criteria provided, multiple submitters, no conflicts (2 of 4 stars). 2 submissions from 2 submitters: Uncertain significance (2). Last evaluated 2025-12-19.

Allele frequency attached by ClinVar (database versions not stated): ESP Exome Variant Server 0.00015; 1000 Genomes Project 0.00100; 1000 Genomes Project 30x 0.00109.
gnomAD v4.1: 105 of 1,613,332 alleles (0.0065%); highest among the groups gnomAD compares: South Asian, 0.052%; no homozygotes.

Submissions (2):

Labcorp Genetics (formerly Invitae), Labcorp
Classification: Uncertain significance. Last evaluated: 2025-12-19. Review status: criteria provided, single submitter. Criteria: Invitae Variant Classification Sherloc (09022015). Collection method: clinical testing. Allele origin: germline.
Comment: This sequence change replaces arginine, which is basic and polar, with tryptophan, which is neutral and slightly polar, at codon 243 of the POLR3F protein (p.Arg243Trp). This variant is present in population databases (rs200897283, gnomAD 0.08%), and has an allele count higher than expected for a pathogenic variant. This variant has not been reported in the literature in individuals affected with POLR3F-related conditions. ClinVar contains an entry for this variant (Variation ID: 2139042). Experimental studies and prediction algorithms are not available or were not evaluated, and the functional significance of this variant is currently unknown. In summary, the available evidence is currently insufficient to determine the role of this variant in disease. Therefore, it has been classified as a Variant of Uncertain Significance.

Ambry Genetics
Classification: Uncertain significance. Last evaluated: 2025-01-14. Review status: criteria provided, single submitter. Criteria: Ambry Variant Classification Scheme 2023. Collection method: clinical testing. Allele origin: germline.

NM_006466.4(POLR3F):c.850C>T (p.Arg284Trp)

Gene: POLR3F (RNA polymerase III subunit F; plus strand). Cytogenetic location: 20p11.23.
Variant type: single nucleotide variant.
Coding change: c.850C>T on transcript NM_006466.4 (MANE Select); coding-DNA position 850, C replaced by T.
Protein change: p.Arg284Trp; replaces arginine 284 with tryptophan.
Molecular consequence: missense variant. On other transcripts: non-coding transcript variant (1).
Genome position (GRCh38, 1-based): chr20:18,481,787, C>T. VCF-style: chr20-18481787-C-T. GRCh37 (hg19) VCF-style: chr20-18462431-C-T.
Other names: c.727C>T, p.Arg243Trp (NM_001282526.2); c.706C>T, p.Arg236Trp (NM_001410821.1); c.850C>T (NM_006466.2); short protein forms R236W, R243W, R284W.
Identifiers: ClinVar variation 2139042 (VCV002139042.5), dbSNP rs200897283, ClinGen allele CA9777616.